The following is an entry in ClinVar:

ClinVar aggregate classification (germline): Uncertain significance (1 of 4 stars; one submission).

gnomAD v4.1: 1 of 1,614,090 alleles (0.000062%); highest among the groups gnomAD compares: Non-Finnish European, 0.000085%; no homozygotes.

Submission:

CeGaT Center for Human Genetics Tuebingen
Classification: Uncertain significance. Last evaluated: 2026-09-01. Review status: criteria provided, single submitter. Criteria: CeGaT Center For Human Genetics Tuebingen Variant Classification Criteria Version 2. Collection method: clinical testing. Allele origin: germline. Affected: yes. Observed: 1 variant allele.
Comment: MYH6: PM2

NM_002471.4(MYH6):c.1643C>T (p.Thr548Ile)

Gene: MYH6 (myosin heavy chain 6; minus strand). Cytogenetic location: 14q11.2.
Variant type: single nucleotide variant.
Coding change: c.1643C>T on transcript NM_002471.4 (MANE Select); coding-DNA position 1643, C replaced by T.
Protein change: p.Thr548Ile; replaces threonine 548 with isoleucine.
Molecular consequence: missense variant.
Genome position (GRCh38, 1-based): chr14:23,398,976, G>A on the plus strand (C>T on the coding strand, the complement: MYH6 is on the minus strand). VCF-style: chr14-23398976-G-A. GRCh37 (hg19) VCF-style: chr14-23868185-G-A.
Other names: short protein forms T548I.
Identifiers: ClinVar variation 5041503 (VCV005041503.1).